The following is an entry in ClinVar:

ClinVar aggregate classification (germline): Uncertain significance (1 of 4 stars; one submission).

Submission:

Labcorp Genetics (formerly Invitae), Labcorp
Classification: Uncertain significance. Last evaluated: 2021-03-20. Review status: criteria provided, single submitter. Criteria: Invitae Variant Classification Sherloc (09022015). Collection method: clinical testing. Allele origin: germline.
Comment: This sequence change falls in intron 2 of the SLC4A1 gene. It does not directly change the encoded amino acid sequence of the SLC4A1 protein. It affects a nucleotide within the consensus splice site of the intron. This variant is not present in population databases (ExAC no frequency). This variant has not been reported in the literature in individuals with SLC4A1-related conditions. Nucleotide substitutions within the consensus splice site are a relatively common cause of aberrant splicing (PMID: 17576681, 9536098). Algorithms developed to predict the effect of sequence changes on RNA splicing suggest that this variant is not likely to affect RNA splicing, but this prediction has not been confirmed by published transcriptional studies. In summary, the available evidence is currently insufficient to determine the role of this variant in disease. Therefore, it has been classified as a Variant of Uncertain Significance.

Literature cited by the submitters: PubMed 17576681; PubMed 9536098.

NM_000342.4(SLC4A1):c.15+6T>C

Gene: SLC4A1 (solute carrier family 4 member 1 (Diego blood group); minus strand). Cytogenetic location: 17q21.31.
Variant type: single nucleotide variant.
Coding change: c.15+6T>C on transcript NM_000342.4 (MANE Select); 6 bases into the intron after coding-DNA position 15, T replaced by C.
Molecular consequence: intron variant.
Genome position (GRCh38, 1-based): chr17:44,262,846, A>G on the plus strand (T>C on the coding strand, the complement: SLC4A1 is on the minus strand). VCF-style: chr17-44262846-A-G. GRCh37 (hg19) VCF-style: chr17-42340214-A-G.
Identifiers: ClinVar variation 1517686 (VCV001517686.6), dbSNP rs1290298597, ClinGen allele CA772264470.
Genomic context (GRCh38, chr17:44,262,846, plus strand): 5'-AGGAGTCTAGGACCAGGTCCCCAGAGCCTCCAGGTGGGAGCACTGCTGATGCCAGGGAAC[A>G]CCCACCTGCAGCTCCTCCATGGCGTGGTCCTGAGTGTCCAGTTGTCTACGGTGATCTGAG-3'